The following is an entry in ClinVar:

NM_176822.4(NLRP14):c.275A>G (p.Lys92Arg)

Gene: NLRP14 (NLR family pyrin domain containing 14; plus strand). Cytogenetic location: 11p15.4.
Variant type: single nucleotide variant.
Coding change: c.275A>G on transcript NM_176822.4 (MANE Select); coding-DNA position 275, A replaced by G.
Protein change: p.Lys92Arg; replaces lysine 92 with arginine.
Molecular consequence: missense variant.
Genome position (GRCh38, 1-based): chr11:7,038,861, A>G. VCF-style: chr11-7038861-A-G. GRCh37 (hg19) VCF-style: chr11-7060092-A-G.
Other names: short protein forms K92R.
Identifiers: ClinVar variation 1241370 (VCV001241370.5), dbSNP rs16921697, ClinGen allele CA5864510.

ClinVar aggregate classification (germline): Benign. Review status: criteria provided, multiple submitters, no conflicts (2 of 4 stars). 3 submissions from 3 submitters: Benign (2). 1 of the submissions does not count toward it. Last evaluated 2018-11-12.

Conditions:
NLRP14-related disorder. Also called: NLRP14-related condition.

Allele frequency attached by ClinVar (database versions not stated): ESP Exome Variant Server 0.02463; gnomAD 0.03403 and 0.03893; TOPMed 0.03759; gnomAD exomes 0.04295 and 0.06587; ExAC 0.06415; 1000 Genomes Project 30x 0.07761; 1000 Genomes Project 0.08147.
gnomAD v4.1: 69,137 of 1,613,208 alleles (4.3%); highest among the groups gnomAD compares: East Asian, 21%; 2,777 homozygotes.

Submissions (3):

GeneDx
Classification: Benign. Last evaluated: 2018-11-12. Review status: criteria provided, single submitter. Criteria: GeneDx Variant Classification Process June 2021. Collection method: clinical testing. Allele origin: germline. Affected: yes.

Breakthrough Genomics
Classification: Benign. Review status: criteria provided, single submitter. Criteria: ACMG Guidelines, 2015. Collection method: not provided. Allele origin: germline. Inheritance: Unknown mechanism. Affected: yes.

PreventionGenetics, part of Exact Sciences
Classification: Benign for NLRP14-related condition. Last evaluated: 2019-02-28. Review status: no assertion criteria provided. Collection method: clinical testing. Allele origin: germline. Not counted in ClinVar's aggregate classification.
Comment: This variant is classified as benign based on ACMG/AMP sequence variant interpretation guidelines (Richards et al. 2015 PMID: 25741868, with internal and published modifications).